The following is an entry in ClinVar:

NM_001375905.1(SGMS2):c.614G>A (p.Arg205Gln)

Genes: CYP2U1-AS1 (CYP2U1 and SGMS2 antisense RNA 1; minus strand), SGMS2 (sphingomyelin synthase 2; plus strand). Cytogenetic location: 4q25.
Variant type: single nucleotide variant.
Coding change: c.614G>A on transcript NM_001375905.1 (MANE Select); coding-DNA position 614, G replaced by A.
Protein change: p.Arg205Gln; replaces arginine 205 with glutamine.
Molecular consequence: missense variant.
Genome position (GRCh38, 1-based): chr4:107,903,273, G>A. VCF-style: chr4-107903273-G-A. GRCh37 (hg19) VCF-style: chr4-108824429-G-A.
Other names: c.614G>A, p.Arg205Gln (NM_001136257.2, NM_001136258.2, NM_001375906.1 and 4 more transcripts); c.95G>A, p.Arg32Gln (NM_001375911.1); short protein forms R32Q, R205Q.
Identifiers: ClinVar variation 3698130 (VCV003698130.2).

ClinVar aggregate classification (germline): Uncertain significance (1 of 4 stars; one submission).

gnomAD v4.1: 25 of 1,613,906 alleles (0.0015%); highest among the groups gnomAD compares: Admixed American, 0.0033%; no homozygotes.

Submission:

Labcorp Genetics (formerly Invitae), Labcorp
Classification: Uncertain significance. Last evaluated: 2025-03-31. Review status: criteria provided, single submitter. Criteria: Invitae Variant Classification Sherloc (09022015). Collection method: clinical testing. Allele origin: germline.
Comment: This sequence change replaces arginine, which is basic and polar, with glutamine, which is neutral and polar, at codon 205 of the SGMS2 protein (p.Arg205Gln). This variant is present in population databases (rs762701795, gnomAD 0.03%). This variant has not been reported in the literature in individuals affected with SGMS2-related conditions. Invitae Evidence Modeling of protein sequence and biophysical properties (such as structural, functional, and spatial information, amino acid conservation, physicochemical variation, residue mobility, and thermodynamic stability) indicates that this missense variant is not expected to disrupt SGMS2 protein function with a negative predictive value of 80%. In summary, the available evidence is currently insufficient to determine the role of this variant in disease. Therefore, it has been classified as a Variant of Uncertain Significance.